The following is an entry in ClinVar:

NM_004984.4(KIF5A):c.2314C>T (p.Arg772Ter)

Gene: KIF5A (kinesin family member 5A; plus strand). Cytogenetic location: 12q13.3.
Variant type: single nucleotide variant.
Coding change: c.2314C>T on transcript NM_004984.4 (MANE Select); coding-DNA position 2314, C replaced by T.
Protein change: p.Arg772Ter; replaces arginine 772 with a stop codon.
Molecular consequence: nonsense.
Genome position (GRCh38, 1-based): chr12:57,577,726, C>T. VCF-style: chr12-57577726-C-T. GRCh37 (hg19) VCF-style: chr12-57971509-C-T.
Other names: c.2047C>T, p.Arg683Ter (NM_001354705.2); short protein forms R772*, R683*.
Identifiers: ClinVar variation 439849 (VCV000439849.18), dbSNP rs1555178616, ClinGen allele CA385512464.

ClinVar aggregate classification (germline): Pathogenic/Likely pathogenic. Review status: criteria provided, multiple submitters, no conflicts (2 of 4 stars). 3 submissions from 3 submitters: Pathogenic (2); Likely pathogenic (1). Last evaluated 2026-07-24.

Conditions:
Spastic paraplegia. Identifiers: MedGen C0037772, HP:0001258.

gnomAD v4.1: 2 of 1,613,746 alleles (0.00012%); highest among the groups gnomAD compares: Non-Finnish European, 0.00017%; no homozygotes.

Submissions (3):

GeneDx
Classification: Pathogenic. Last evaluated: 2026-07-24. Review status: criteria provided, single submitter. Criteria: GeneDx Variant Classification Process June 2021. Collection method: clinical testing. Allele origin: germline.
Comment: Reported in a patient with neuromuscular disease in published literature; case-level details are limited (PMID: 40571342); Nonsense variant predicted to result in protein truncation or nonsense mediated decay in a gene for which loss of function is a known mechanism of disease; Not observed at significant frequency in large population cohorts (gnomAD); This variant is associated with the following publications: (PMID: 40571342)

Labcorp Genetics (formerly Invitae), Labcorp
Classification: Pathogenic for Spastic paraplegia. Last evaluated: 2023-10-30. Review status: criteria provided, single submitter. Criteria: Invitae Variant Classification Sherloc (09022015). Collection method: clinical testing. Allele origin: germline.
Comment: This sequence change creates a premature translational stop signal (p.Arg772*) in the KIF5A gene. It is expected to result in an absent or disrupted protein product. Loss-of-function variants in KIF5A are known to be pathogenic (PMID: 26374131). This variant is not present in population databases (gnomAD no frequency). This variant has not been reported in the literature in individuals affected with KIF5A-related conditions. ClinVar contains an entry for this variant (Variation ID: 439849). For these reasons, this variant has been classified as Pathogenic.

ARUP Laboratories, Molecular Genetics and Genomics, ARUP Laboratories
Classification: Likely pathogenic. Last evaluated: 2017-01-16. Review status: criteria provided, single submitter. Criteria: ARUP Molecular Germline Variant Investigation Process. Collection method: clinical testing. Allele origin: germline.

Literature cited by the submitters: PubMed 26374131 (cited by Labcorp Genetics (formerly Invitae), Labcorp).